The following is an entry in ClinVar:

NM_006030.4(CACNA2D2):c.1526C>A (p.Thr509Lys)

Gene: CACNA2D2 (calcium voltage-gated channel auxiliary subunit alpha2delta 2; minus strand). Cytogenetic location: 3p21.31.
Variant type: single nucleotide variant.
Coding change: c.1526C>A on transcript NM_006030.4 (MANE Select); coding-DNA position 1526, C replaced by A.
Protein change: p.Thr509Lys; replaces threonine 509 with lysine.
Molecular consequence: missense variant.
Genome position (GRCh38, 1-based): chr3:50,377,757, G>T on the plus strand (C>A on the coding strand, the complement: CACNA2D2 is on the minus strand). VCF-style: chr3-50377757-G-T. GRCh37 (hg19) VCF-style: chr3-50415188-G-T.
Other names: c.1526C>A, p.Thr509Lys (NM_001005505.3, NM_001174051.3); c.1319C>A, p.Thr440Lys (NM_001291101.1); short protein forms T440K, T509K.
Identifiers: ClinVar variation 850511 (VCV000850511.5), dbSNP rs926707544, ClinGen allele CA74614344.

ClinVar aggregate classification (germline): Uncertain significance (1 of 4 stars; one submission).

Conditions:
Developmental and epileptic encephalopathy. Identifiers: MedGen C5779964, MONDO:0100620.

Allele frequency attached by ClinVar (database versions not stated): gnomAD 0.00001; TOPMed 0.00002.
gnomAD v4.1: 3 of 1,613,152 alleles (0.00019%); highest among the groups gnomAD compares: African/African-American, 0.004%; no homozygotes.

Submission:

Labcorp Genetics (formerly Invitae), Labcorp
Classification: Uncertain significance for Early-infantile DEE. Last evaluated: 2019-02-18. Review status: criteria provided, single submitter. Criteria: Invitae Variant Classification Sherloc (09022015). Collection method: clinical testing. Allele origin: germline.
Comment: In summary, the available evidence is currently insufficient to determine the role of this variant in disease. Therefore, it has been classified as a Variant of Uncertain Significance. Algorithms developed to predict the effect of missense changes on protein structure and function are either unavailable or do not agree on the potential impact of this missense change (SIFT: "Deleterious"; PolyPhen-2: "Probably Damaging"; Align-GVGD: "Class C0"). This variant has not been reported in the literature in individuals with CACNA2D2-related conditions. This variant is not present in population databases (ExAC no frequency). This sequence change replaces threonine with lysine at codon 509 of the CACNA2D2 protein (p.Thr509Lys). The threonine residue is highly conserved and there is a moderate physicochemical difference between threonine and lysine.